The following is an entry in ClinVar:

ClinVar aggregate classification (germline): Conflicting classifications of pathogenicity. Review status: criteria provided, conflicting classifications (1 of 4 stars). 3 submissions from 3 submitters: Uncertain significance (2); Likely benign (1). Last evaluated 2025-07-16.

Conditions:
Familial melanoma. Also called: Hereditary melanoma; Hereditary cutaneous melanoma. Identifiers: Orphanet 618, MedGen C1512419, MONDO:0018961.
Hereditary cancer-predisposing syndrome. Also called: Neoplastic Syndromes, Hereditary; Hereditary Cancer Syndrome; Tumor predisposition; Hereditary neoplastic syndrome. Identifiers: Orphanet 140162, MedGen C0027672, MeSH D009386, MONDO:0015356.

Allele frequency attached by ClinVar (database versions not stated): TOPMed below 0.00001; gnomAD 0.00001.
gnomAD v4.1: 1 of 1,614,066 alleles (0.000062%); highest among the groups gnomAD compares: Admixed American, 0.0017%; no homozygotes.

Submissions (3):

Labcorp Genetics (formerly Invitae), Labcorp
Classification: Uncertain significance for Familial melanoma. Last evaluated: 2025-07-16. Review status: criteria provided, single submitter. Criteria: Invitae Variant Classification Sherloc (09022015). Collection method: clinical testing. Allele origin: germline.
Comment: This sequence change replaces threonine, which is neutral and polar, with alanine, which is neutral and non-polar, at codon 116 of the CDK4 protein (p.Thr116Ala). This variant is not present in population databases (gnomAD no frequency). This variant has not been reported in the literature in individuals affected with CDK4-related conditions. ClinVar contains an entry for this variant (Variation ID: 928860). Invitae Evidence Modeling of protein sequence and biophysical properties (such as structural, functional, and spatial information, amino acid conservation, physicochemical variation, residue mobility, and thermodynamic stability) indicates that this missense variant is not expected to disrupt CDK4 protein function with a negative predictive value of 95%. In summary, the available evidence is currently insufficient to determine the role of this variant in disease. Therefore, it has been classified as a Variant of Uncertain Significance.

Ambry Genetics
Classification: Likely benign for Hereditary cancer-predisposing syndrome. Last evaluated: 2024-02-26. Review status: criteria provided, single submitter. Criteria: Ambry Variant Classification Scheme 2023. Collection method: clinical testing. Allele origin: germline.

Women's Health and Genetics/Laboratory Corporation of America, LabCorp
Classification: Uncertain significance. Last evaluated: 2019-03-21. Review status: criteria provided, single submitter. Criteria: LabCorp Variant Classification Summary - May 2015. Collection method: clinical testing. Allele origin: germline.
Comment: Variant summary: CDK4 c.346A>G (p.Thr116Ala) results in a non-conservative amino acid change located in the Protein kinase domain of the encoded protein sequence. Three of five in-silico tools predict a benign effect of the variant on protein function. The variant was absent in 246266 control chromosomes (gnomAD). The available data on variant occurrences in the general population are insufficient to allow any conclusion about variant significance. To our knowledge, no occurrence of c.346A>G in individuals affected with Cutaneous Malignant Melanoma and no experimental evidence demonstrating its impact on protein function have been reported. No clinical diagnostic laboratories have submitted clinical-significance assessments for this variant to ClinVar after 2014. Based on the evidence outlined above, the variant was classified as uncertain significance.

NM_000075.4(CDK4):c.346A>G (p.Thr116Ala)

Gene: CDK4 (cyclin dependent kinase 4; minus strand). Cytogenetic location: 12q14.1.
Variant type: single nucleotide variant.
Coding change: c.346A>G on transcript NM_000075.4 (MANE Select); coding-DNA position 346, A replaced by G.
Protein change: p.Thr116Ala; replaces threonine 116 with alanine.
Molecular consequence: missense variant.
Genome position (GRCh38, 1-based): chr12:57,751,215, T>C on the plus strand (A>G on the coding strand, the complement: CDK4 is on the minus strand). VCF-style: chr12-57751215-T-C. GRCh37 (hg19) VCF-style: chr12-58144998-T-C.
Other names: short protein forms T116A.
Identifiers: ClinVar variation 928860 (VCV000928860.9), dbSNP rs2063052002, ClinGen allele CA385547509.